The following is an entry in ClinVar:

NM_001793.6(CDH3):c.2001G>A (p.Leu667=)

Gene: CDH3 (cadherin 3; plus strand). Cytogenetic location: 16q22.1.
Variant type: single nucleotide variant.
Coding change: c.2001G>A on transcript NM_001793.6 (MANE Select); coding-DNA position 2001, G replaced by A.
Protein change: p.Leu667=; no amino-acid change (leucine 667 retained).
Molecular consequence: synonymous variant.
Genome position (GRCh38, 1-based): chr16:68,691,925, G>A. VCF-style: chr16-68691925-G-A. GRCh37 (hg19) VCF-style: chr16-68725828-G-A.
Other names: c.2001G>A, p.Leu667= (NM_001317195.3); c.1836G>A, p.Leu612= (NM_001317196.2).
Identifiers: ClinVar variation 2094757 (VCV002094757.2), dbSNP rs201014182, ClinGen allele CA496157544.
Genomic context (GRCh38, chr16:68,691,925, plus strand): 5'-CCCTGGACCCTGGAAGGGAGGTTTCATCCTCCCTGTGCTGGGGGCTGTCCTGGCTCTGCT[G>A]TGTGAGTACCAGGCCCCCACCCCCTCCCTGAGGATGGGGGAGTTGAAAGACTGGATTCTA-3'
Protein context (NP_001784.2, residues 657-677): LPVLGAVLAL[Leu667=]FLLLVLLLLV

ClinVar aggregate classification (germline): Uncertain significance (1 of 4 stars; one submission).

gnomAD v4.1: 8 of 1,610,674 alleles (0.0005%); highest among the groups gnomAD compares: Non-Finnish European, 0.00059%; no homozygotes.

Submission:

Labcorp Genetics (formerly Invitae), Labcorp
Classification: Uncertain significance. Last evaluated: 2022-10-05. Review status: criteria provided, single submitter. Criteria: Invitae Variant Classification Sherloc (09022015). Collection method: clinical testing. Allele origin: germline.
Comment: In summary, the available evidence is currently insufficient to determine the role of this variant in disease. Therefore, it has been classified as a Variant of Uncertain Significance. Algorithms developed to predict the effect of sequence changes on RNA splicing suggest that this variant is not likely to affect RNA splicing. This variant has not been reported in the literature in individuals affected with CDH3-related conditions. This variant is not present in population databases (gnomAD no frequency). This sequence change affects codon 667 of the CDH3 mRNA. It is a 'silent' change, meaning that it does not change the encoded amino acid sequence of the CDH3 protein. It affects a nucleotide within the consensus splice site.